The following is an entry in ClinVar:

ClinVar aggregate classification (germline): Uncertain significance (1 of 4 stars; one submission).

Allele frequency attached by ClinVar (database versions not stated): TOPMed 0.00001.
gnomAD v4.1: 18 of 1,613,948 alleles (0.0011%); highest among the groups gnomAD compares: Non-Finnish European, 0.0014%; no homozygotes.

Submission:

Labcorp Genetics (formerly Invitae), Labcorp
Classification: Uncertain significance. Last evaluated: 2021-09-01. Review status: criteria provided, single submitter. Criteria: Invitae Variant Classification Sherloc (09022015). Collection method: clinical testing. Allele origin: germline.
Comment: This sequence change replaces glycine with aspartic acid at codon 529 of the USH1C protein (p.Gly529Asp). The glycine residue is highly conserved and there is a moderate physicochemical difference between glycine and aspartic acid. This variant is not present in population databases (ExAC no frequency). This variant has not been reported in the literature in individuals affected with USH1C-related conditions. Algorithms developed to predict the effect of missense changes on protein structure and function are either unavailable or do not agree on the potential impact of this missense change (SIFT: "Deleterious"; PolyPhen-2: "Probably Damaging"; Align-GVGD: "Class C0"). In summary, the available evidence is currently insufficient to determine the role of this variant in disease. Therefore, it has been classified as a Variant of Uncertain Significance.

NM_153676.4(USH1C):c.2486G>A (p.Gly829Asp)

Gene: USH1C (USH1 protein network component harmonin; minus strand). Cytogenetic location: 11p15.1.
Variant type: single nucleotide variant.
Coding change: c.2486G>A on transcript NM_153676.4 (MANE Select); coding-DNA position 2486, G replaced by A.
Protein change: p.Gly829Asp; replaces glycine 829 with aspartic acid.
Molecular consequence: missense variant. On other transcripts: non-coding transcript variant (1).
Genome position (GRCh38, 1-based): chr11:17,498,166, C>T on the plus strand (G>A on the coding strand, the complement: USH1C is on the minus strand). VCF-style: chr11-17498166-C-T. GRCh37 (hg19) VCF-style: chr11-17519713-C-T.
Other names: c.1529G>A, p.Gly510Asp (NM_001297764.2); c.1586G>A, p.Gly529Asp (NM_005709.4); short protein forms G510D, G529D, G829D.
Identifiers: ClinVar variation 1019112 (VCV001019112.6), dbSNP rs773119803, ClinGen allele CA379800291.